The following is an entry in ClinVar:

NM_025009.5(CEP135):c.303_304+4del

Gene: CEP135 (centrosomal protein 135; plus strand). Cytogenetic location: 4q12.
Variant type: Deletion.
Coding change: c.303_304+4del on transcript NM_025009.5 (MANE Select); coding-DNA position 303 through 4 bases into the intron after coding-DNA position 304, 6 bases deleted (AGGTAA; older notation c.303_304+4delAGGTAA).
Molecular consequence: splice donor variant.
Genome position (GRCh38, 1-based): chr4:55,953,274-55,953,279, AGGTAA deleted; deleting any 6 consecutive bases within chr4:55,953,271-55,953,279 gives the same sequence; the c. name uses the placement nearest the transcript's 3' end. VCF-style (leftmost placement, unchanged base first): chr4-55953270-TTAAAGG-T. GRCh37 (hg19) VCF-style: chr4-56819436-TTAAAGG-T.
Identifiers: ClinVar variation 3018604 (VCV003018604.3), dbSNP rs1198436026, ClinGen allele CA551652198.

ClinVar aggregate classification (germline): Likely pathogenic (1 of 4 stars; one submission).

Submission:

Labcorp Genetics (formerly Invitae), Labcorp
Classification: Likely pathogenic. Last evaluated: 2025-02-10. Review status: criteria provided, single submitter. Criteria: Invitae Variant Classification Sherloc (09022015). Collection method: clinical testing. Allele origin: germline.
Comment: This variant results in the deletion of part of exon 3 (c.303_304+4del) of the CEP135 gene. It is expected to disrupt RNA splicing. Variants that disrupt the donor or acceptor splice site typically lead to a loss of protein function (PMID: 16199547), and loss-of-function variants in CEP135 are known to be pathogenic (PMID: 22521416, 26657937). This variant is present in population databases (no rsID available, gnomAD 0.001%). This variant has not been reported in the literature in individuals affected with CEP135-related conditions. ClinVar contains an entry for this variant (Variation ID: 3018604). In summary, the currently available evidence indicates that the variant is pathogenic, but additional data are needed to prove that conclusively. Therefore, this variant has been classified as Likely Pathogenic.

Literature cited by the submitters: PubMed 16199547; PubMed 22521416; PubMed 26657937.